The following is an entry in ClinVar:

NM_015047.3(EMC1):c.2284A>T (p.Ile762Phe)

Genes: EMC1 (ER membrane protein complex subunit 1; minus strand), EMC1-AS1 (EMC1 antisense RNA 1; plus strand). Cytogenetic location: 1p36.13.
Variant type: single nucleotide variant.
Coding change: c.2284A>T on transcript NM_015047.3 (MANE Select); coding-DNA position 2284, A replaced by T.
Protein change: p.Ile762Phe; replaces isoleucine 762 with phenylalanine.
Molecular consequence: missense variant.
Genome position (GRCh38, 1-based): chr1:19,223,488, T>A on the plus strand (A>T on the coding strand, the complement: EMC1 is on the minus strand). VCF-style: chr1-19223488-T-A. GRCh37 (hg19) VCF-style: chr1-19549982-T-A.
Other names: c.2281A>T, p.Ile761Phe (NM_001271427.2, NM_001271428.2); c.2218A>T, p.Ile740Phe (NM_001271429.2); c.2293A>T, p.Ile765Phe (NM_001375820.1); c.2290A>T, p.Ile764Phe (NM_001375821.1); c.2284A>T (NM_015047.2); short protein forms I740F, I761F, I762F, I764F, I765F.
Identifiers: ClinVar variation 1092828 (VCV001092828.11), dbSNP rs35788281, ClinGen allele CA652331.

ClinVar aggregate classification (germline): Conflicting classifications of pathogenicity. Review status: criteria provided, conflicting classifications (1 of 4 stars). 3 submissions from 3 submitters: Uncertain significance (1); Likely benign (2). Last evaluated 2025-12-26.

Conditions:
EMC1-related disorder. Also called: EMC1-related condition.

Allele frequency attached by ClinVar (database versions not stated): gnomAD exomes 0.00012 and 0.00026; ExAC 0.00032; 1000 Genomes Project 30x 0.00094; 1000 Genomes Project 0.00120.
gnomAD v4.1: 189 of 1,613,942 alleles (0.012%); highest among the groups gnomAD compares: South Asian, 0.2%; 3 homozygotes.

Submissions (3):

PreventionGenetics, part of Exact Sciences
Classification: Likely benign for EMC1-related condition. Last evaluated: 2025-12-26. Review status: criteria provided, single submitter. Criteria: ACMG Guidelines, 2015. Collection method: clinical testing. Allele origin: germline.
Comment: This variant is classified as likely benign based on ACMG/AMP sequence variant interpretation guidelines (Richards et al. 2015 PMID: 25741868, with internal and published modifications).

Labcorp Genetics (formerly Invitae), Labcorp
Classification: Likely benign. Last evaluated: 2025-10-17. Review status: criteria provided, single submitter. Criteria: Invitae Variant Classification Sherloc (09022015). Collection method: clinical testing. Allele origin: germline.

Blueprint Genetics
Classification: Uncertain significance. Last evaluated: 2023-06-14. Review status: criteria provided, single submitter. Criteria: ACMG Guidelines, 2015. Collection method: clinical testing. Allele origin: germline.